The following is an entry in ClinVar:

GRCh37/hg19 16p13.11-12.3(chr16:15509406-18181971)x3

Genes: ABCC1 (ATP binding cassette subfamily C member 1 (ABCC1 blood group); plus strand), ABCC6 (ATP binding cassette subfamily C member 6; minus strand), BMERB1 (bMERB domain containing 1; plus strand), CEP20 (centrosomal protein 20; minus strand), MARF1 (meiosis regulator and mRNA stability factor 1; minus strand) and 4 more. Cytogenetic location: 16p13.11-12.3.
Variant type: copy number gain.
Change: copy number 3 (three copies instead of two) of chr16:15,509,406-18,181,971 (2.67 Mb, GRCh37 coordinates, 1-based), cytogenetic band 16p13.11-12.3.
Identifiers: ClinVar variation 564292 (VCV000564292.3).

ClinVar aggregate classification (germline): Likely pathogenic (1 of 4 stars; one submission).

Submission:

Quest Diagnostics Nichols Institute San Juan Capistrano
Classification: Likely pathogenic. Last evaluated: 2024-03-05. Review status: criteria provided, single submitter. Criteria: ACMG/ClinGen CNV Guidelines, 2019. Collection method: clinical testing. Allele origin: unknown.
Comment: This copy number gain overlaps the 16p13.11 BP2-BP3 duplication region (ISCA-37415), which is associated with a range of phenotypes (Hamad 2023, Stefansson 2014). Duplications of 16p13.11 were found to be enriched in patients versus controls, with some exceptions (El Khattabi 2020, Kaminsky 2011, Tropeano 2013). Thus, this copy number variant (CNV) is classified as likely pathogenic. References: El Khattabi et al., J Med Genet. 2020 May;57(5):301-307. PMID: 30287593; Hamad et al., Eur J Med Genet. 2023 Apr;66(4):104714. PMID: 36724812; Kaminsky et al., Genet Med. 2011 Sep;13(9):777-84. PMID: 21844811; Stefansson et al., Nature. 2014 Jan 16;505(7483):361-6. PMID: 24352232; Tropeano et al., PLoS One. 2013 Apr 18;8(4):e61365. PMID: 23637818